The following is an entry in ClinVar:

ClinVar aggregate classification (germline): Conflicting classifications of pathogenicity. Review status: criteria provided, conflicting classifications (1 of 4 stars). 5 submissions from 5 submitters: Uncertain significance (1); Benign (1); Likely benign (3). Last evaluated 2025-08-07.

Conditions:
Hereditary cancer-predisposing syndrome. Also called: Hereditary neoplastic syndrome; Neoplastic Syndromes, Hereditary; Tumor predisposition; Hereditary Cancer Syndrome. Identifiers: Orphanet 140162, MedGen C0027672, MeSH D009386, MONDO:0015356.
BAP1-related tumor predisposition syndrome (TPDS1). Also called: TUMOR PREDISPOSITION SYNDROME 1; COMMON Syndrome; BAP1 tumor predisposition syndrome; Tumor susceptibility linked to germline BAP1 mutations. Identifiers: Orphanet 289539, MedGen C3280492, MONDO:0013692, OMIM 614327.

gnomAD v4.1: 1 of 1,614,076 alleles (0.000062%); highest among the groups gnomAD compares: Non-Finnish European, 0.000085%; no homozygotes.

Submissions (5):

Labcorp Genetics (formerly Invitae), Labcorp
Classification: Likely benign for BAP1-related tumor predisposition syndrome. Last evaluated: 2025-08-07. Review status: criteria provided, single submitter. Criteria: Invitae Variant Classification Sherloc (09022015). Collection method: clinical testing. Allele origin: germline.

Myriad Genetics, Inc.
Classification: Benign for BAP1-related tumor predisposition syndrome. Last evaluated: 2024-07-16. Review status: criteria provided, single submitter. Criteria: Myriad Autosomal Dominant, Autosomal Recessive and X-Linked Classification Criteria (2023). Collection method: clinical testing. Allele origin: unknown.
Comment: This variant is considered benign. This variant is a silent/synonymous amino acid change and it is not expected to impact splicing.

Color Diagnostics, LLC DBA Color Health
Classification: Likely benign for Hereditary cancer-predisposing syndrome. Last evaluated: 2023-12-05. Review status: criteria provided, single submitter. Criteria: ACMG Guidelines, 2015. Collection method: clinical testing. Allele origin: germline.

Ambry Genetics
Classification: Likely benign for Hereditary cancer-predisposing syndrome. Last evaluated: 2021-10-09. Review status: criteria provided, single submitter. Criteria: Ambry Variant Classification Scheme 2023. Collection method: clinical testing. Allele origin: germline.

GeneDx
Classification: Uncertain significance. Last evaluated: 2016-06-27. Review status: criteria provided, single submitter. Criteria: GeneDx Variant Classification (06012015). Collection method: clinical testing. Allele origin: germline. Affected: yes.
Comment: This variant is denoted BAP1 c.1389G>C at the DNA level. This variant is silent at the coding level, preserving a Leucine at codon 463. It is not predicted to cause abnormal splicing. This variant has not, to our knowledge, been published in the literature as being pathogenic or benign. BAP1 c.1389G>C was not observed in approximately 6,500 individuals of European and African American ancestry in the NHLBI Exome Sequencing Project, indicating it is not a common benign variant in these populations. The nucleotide which is altered, a guanine (G) at base 1389, is conserved in mammals. Based on currently available information, it is unclear whether BAP1 c.1389G>C is a pathogenic or benign variant. We consider it to be a variant of uncertain significance.

NM_004656.4(BAP1):c.1389G>C (p.Leu463=)

Gene: BAP1 (BRCA1 associated deubiquitinase 1; minus strand). Cytogenetic location: 3p21.1.
Variant type: single nucleotide variant.
Coding change: c.1389G>C on transcript NM_004656.4 (MANE Select); coding-DNA position 1389, G replaced by C.
Protein change: p.Leu463=; no amino-acid change (leucine 463 retained).
Molecular consequence: synonymous variant.
Genome position (GRCh38, 1-based): chr3:52,403,756, C>G on the plus strand (G>C on the coding strand, the complement: BAP1 is on the minus strand). VCF-style: chr3-52403756-C-G. GRCh37 (hg19) VCF-style: chr3-52437772-C-G.
Identifiers: ClinVar variation 421553 (VCV000421553.15), dbSNP rs1064795208, ClinGen allele CA16617997.
Genomic context (GRCh38, chr3:52,403,756, plus strand): 5'-CTGCGAGTGTGTGGGCACTGCCACAGCCGGACTCCCAGCCCCGCTGCTAGTCTTGATGGA[C>G]AGAGGAATTGAGAGGTCCTTCTGGGACTCTTTGAGCTTCTCAGCCAAGACGTTGATGGTG-3'
Protein context (NP_004647.1, residues 453-473): KESQKDLSIP[Leu463=]SIKTSSGAGS